The following is an entry in ClinVar:

ClinVar aggregate classification (germline): Uncertain significance (1 of 4 stars; one submission).

Conditions:
Charcot-Marie-Tooth disease type 2. Also called: Charcot-Marie-Tooth type 2. Identifiers: Orphanet 64746, MedGen C0270914, MONDO:0018993.

Allele frequency attached by ClinVar (database versions not stated): gnomAD exomes below 0.00001; ExAC 0.00001.
gnomAD v4.1: 2 of 1,613,734 alleles (0.00012%); highest among the groups gnomAD compares: South Asian, 0.0022%; no homozygotes.

Submission:

Labcorp Genetics (formerly Invitae), Labcorp
Classification: Uncertain significance for Charcot-Marie-Tooth disease type 2. Last evaluated: 2023-09-21. Review status: criteria provided, single submitter. Criteria: Invitae Variant Classification Sherloc (09022015). Collection method: clinical testing. Allele origin: germline.
Comment: This variant has not been reported in the literature in individuals affected with LMNA-related conditions. In summary, the available evidence is currently insufficient to determine the role of this variant in disease. Therefore, it has been classified as a Variant of Uncertain Significance. Advanced modeling of protein sequence and biophysical properties (such as structural, functional, and spatial information, amino acid conservation, physicochemical variation, residue mobility, and thermodynamic stability) performed at Invitae indicates that this missense variant is expected to disrupt LMNA protein function. This variant is present in population databases (rs762077332, gnomAD 0.007%). This sequence change replaces glycine, which is neutral and non-polar, with valine, which is neutral and non-polar, at codon 630 of the LMNA protein (p.Gly630Val).

NM_170707.4(LMNA):c.1889G>T (p.Gly630Val)

Gene: LMNA (lamin A/C; plus strand). Cytogenetic location: 1q22.
Variant type: single nucleotide variant.
Coding change: c.1889G>T on transcript NM_170707.4 (MANE Select); coding-DNA position 1889, G replaced by T.
Protein change: p.Gly630Val; replaces glycine 630 with valine.
Molecular consequence: missense variant. On other transcripts: intron variant (1).
Genome position (GRCh38, 1-based): chr1:156,138,678, G>T. VCF-style: chr1-156138678-G-T. GRCh37 (hg19) VCF-style: chr1-156108469-G-T.
Other names: c.1553G>T, p.Gly518Val (NM_001257374.3, NM_001406989.1); c.1889G>T, p.Gly630Val (NM_001406983.1, NM_001406985.1, NM_001406991.1); c.1646G>T, p.Gly549Val (NM_001406986.1, NM_001406987.1); c.1265G>T, p.Gly422Val (NM_001407000.1, NM_001407001.1, NM_001406994.1 and 1 more transcripts); c.1799G>T, p.Gly600Val (NM_170708.4); c.1818+71G>T (NM_001282626.2); c.1592G>T, p.Gly531Val (NM_001406988.1); c.1331G>T, p.Gly444Val (NM_001406990.1, NM_001406993.1, NM_001406995.1 and 2 more transcripts); short protein forms G600V, G531V, G422V, G444V, G549V, G518V, G630V.
Identifiers: ClinVar variation 2992563 (VCV002992563.2), dbSNP rs762077332, ClinGen allele CA051601.
Genomic context (GRCh38, chr1:156,138,678, plus strand): 5'-CCATCTCCTCTGGCTCTTCTGCCTCCAGTGTCACGGTCACTCGCAGCTACCGCAGTGTGG[G>T]GGGCAGTGGGGGTGGCAGCTTCGGGGACAATCTGGTCACCCGCTCCTACCTCCTGGGCAA-3'
Protein context (NP_733821.1, residues 620-640): VTVTRSYRSV[Gly630Val]GSGGGSFGDN